The following is an entry in ClinVar:

ClinVar aggregate classification (germline): Likely pathogenic (1 of 4 stars; one submission).

Submission:

Genetics Laboratory, UDIAT-Centre Diagnòstic, Hospital Universitari Parc Tauli
Classification: Likely pathogenic. Last evaluated: 2021-04-26. Review status: criteria provided, single submitter. Criteria: Parc Tauli Hospital Assertion Criteria 2021. Collection method: clinical testing. Allele origin: de novo. Inheritance: X-linked inheritance. Affected: yes. Observed: 1 heterozygote.
Comment: PM2_supporting;PM6_moderate;PP2_supporting;PP3_supporting

NM_014271.4(IL1RAPL1):c.1046T>C (p.Leu349Pro)

Gene: IL1RAPL1 (interleukin 1 receptor accessory protein like 1; plus strand). Cytogenetic location: Xp21.2.
Variant type: single nucleotide variant.
Coding change: c.1046T>C on transcript NM_014271.4 (MANE Select); coding-DNA position 1046, T replaced by C.
Protein change: p.Leu349Pro; replaces leucine 349 with proline.
Molecular consequence: missense variant.
Genome position (GRCh38, 1-based): chrX:29,920,083, T>C. VCF-style: chrX-29920083-T-C. GRCh37 (hg19) VCF-style: chrX-29938200-T-C.
Other names: short protein forms L349P.
Identifiers: ClinVar variation 1098368 (VCV001098368.2), dbSNP rs2147239911, ClinGen allele CA412636361.
Genomic context (GRCh38, chrX:29,920,083, plus strand): 5'-TGGGAAATTACTCCTGTTATGTTGAAAATGGAAATGGACGTCGACACGCCAGCGTTCTCC[T>C]TCATAAACGAGGTGAGTGTAACCTTCTAAGCTTCGGTGGTCAACTGAATGTATGATGGGA-3'
Protein context (NP_055086.1, residues 339-359): GNGRRHASVL[Leu349Pro]HKRELMYTVE